The following is an entry in ClinVar:

ClinVar aggregate classification (germline): Uncertain significance (0 of 4 stars; one submission).

Conditions:
MAF-related disorder. Also called: MAF-related condition.

Submission:

PreventionGenetics, part of Exact Sciences
Classification: Uncertain significance for MAF-related condition. Last evaluated: 2023-12-19. Review status: no assertion criteria provided. Collection method: clinical testing. Allele origin: germline.
Comment: The MAF c.862C>G variant is predicted to result in the amino acid substitution p.Arg288Gly. To our knowledge, this variant has not been reported in the literature or in a large population database, indicating this variant is rare. Of note, a different variant impacting the same amino acid (p.Arg288Pro) has been reported to segregate in a family with cataract, microcornea, and iris coloboma (Jamieson et al. 2002. PubMed ID: 11772997). At this time, the clinical significance of the c.862C>G (p.Arg288Gly) variant is uncertain due to the absence of conclusive functional and genetic evidence.

NM_005360.5(MAF):c.862C>G (p.Arg288Gly)

Gene: MAF (MAF bZIP transcription factor; minus strand). Cytogenetic location: 16q23.2.
Variant type: single nucleotide variant.
Coding change: c.862C>G on transcript NM_005360.5 (MANE Select); coding-DNA position 862, C replaced by G.
Protein change: p.Arg288Gly; replaces arginine 288 with glycine.
Molecular consequence: missense variant.
Genome position (GRCh38, 1-based): chr16:79,599,041, G>C on the plus strand (C>G on the coding strand, the complement: MAF is on the minus strand). VCF-style: chr16-79599041-G-C. GRCh37 (hg19) VCF-style: chr16-79632938-G-C.
Other names: c.862C>G, p.Arg288Gly (NM_001031804.3); short protein forms R288G.
Identifiers: ClinVar variation 2632878 (VCV002632878.3), dbSNP rs774933231, ClinGen allele CA396535072.